The following is an entry in ClinVar:

NM_014844.5(TECPR2):c.716G>T (p.Gly239Val)

Gene: TECPR2 (tectonin beta-propeller repeat containing 2; plus strand). Cytogenetic location: 14q32.31.
Variant type: single nucleotide variant.
Coding change: c.716G>T on transcript NM_014844.5 (MANE Select); coding-DNA position 716, G replaced by T.
Protein change: p.Gly239Val; replaces glycine 239 with valine.
Molecular consequence: missense variant.
Genome position (GRCh38, 1-based): chr14:102,425,056, G>T. VCF-style: chr14-102425056-G-T. GRCh37 (hg19) VCF-style: chr14-102891393-G-T.
Other names: c.716G>T, p.Gly239Val (NM_001172631.3); short protein forms G239V.
Identifiers: ClinVar variation 2155684 (VCV002155684.1), dbSNP rs2504404197, ClinGen allele CA391046880.

ClinVar aggregate classification (germline): Uncertain significance (1 of 4 stars; one submission).

Conditions:
Hereditary spastic paraplegia 49 (HSAN9). Also called: Spastic paraplegia 49, autosomal recessive; TECPR2-Related Hereditary Sensory and Autonomic Neuropathy with Intellectual Disability; NEUROPATHY, HEREDITARY SENSORY AND AUTONOMIC, TYPE IX, WITH DEVELOPMENTAL DELAY. Identifiers: Orphanet 320385, MedGen C5190860, MONDO:0014016, OMIM 615031.

Allele frequency attached by ClinVar (database versions not stated): gnomAD exomes below 0.00001.
gnomAD v4.1: 2 of 1,614,066 alleles (0.00012%); highest among the groups gnomAD compares: African/African-American, 0.0027%; no homozygotes.

Submission:

Labcorp Genetics (formerly Invitae), Labcorp
Classification: Uncertain significance for Hereditary spastic paraplegia 49. Last evaluated: 2022-08-09. Review status: criteria provided, single submitter. Criteria: Invitae Variant Classification Sherloc (09022015). Collection method: clinical testing. Allele origin: germline.
Comment: This sequence change replaces glycine, which is neutral and non-polar, with valine, which is neutral and non-polar, at codon 239 of the TECPR2 protein (p.Gly239Val). This variant is not present in population databases (gnomAD no frequency). This variant has not been reported in the literature in individuals affected with TECPR2-related conditions. Algorithms developed to predict the effect of missense changes on protein structure and function are either unavailable or do not agree on the potential impact of this missense change (SIFT: "Deleterious"; PolyPhen-2: "Probably Damaging"; Align-GVGD: "Class C0"). In summary, the available evidence is currently insufficient to determine the role of this variant in disease. Therefore, it has been classified as a Variant of Uncertain Significance.